The following is an entry in ClinVar:

NM_032119.4(ADGRV1):c.6248T>C (p.Leu2083Ser)

Gene: ADGRV1 (adhesion G protein-coupled receptor V1; plus strand). Cytogenetic location: 5q14.3.
Variant type: single nucleotide variant.
Coding change: c.6248T>C on transcript NM_032119.4 (MANE Select); coding-DNA position 6248, T replaced by C.
Protein change: p.Leu2083Ser; replaces leucine 2083 with serine.
Molecular consequence: missense variant. On other transcripts: non-coding transcript variant (1).
Genome position (GRCh38, 1-based): chr5:90,684,169, T>C. VCF-style: chr5-90684169-T-C. GRCh37 (hg19) VCF-style: chr5-89979986-T-C.
Other names: short protein forms L2083S.
Identifiers: ClinVar variation 1931080 (VCV001931080.2), dbSNP rs1173328630, ClinGen allele CA360414447.

ClinVar aggregate classification (germline): Uncertain significance (1 of 4 stars; one submission).

gnomAD v4.1: 3 of 1,612,914 alleles (0.00019%); highest among the groups gnomAD compares: East Asian, 0.0022%; no homozygotes.

Submission:

Labcorp Genetics (formerly Invitae), Labcorp
Classification: Uncertain significance. Last evaluated: 2022-02-04. Review status: criteria provided, single submitter. Criteria: Invitae Variant Classification Sherloc (09022015). Collection method: clinical testing. Allele origin: germline.
Comment: This sequence change replaces leucine, which is neutral and non-polar, with serine, which is neutral and polar, at codon 2083 of the ADGRV1 protein (p.Leu2083Ser). This variant is present in population databases (no rsID available, gnomAD 0.006%). This variant has not been reported in the literature in individuals affected with ADGRV1-related conditions. Algorithms developed to predict the effect of missense changes on protein structure and function are either unavailable or do not agree on the potential impact of this missense change (SIFT: "Deleterious"; PolyPhen-2: "Probably Damaging"; Align-GVGD: "Class C0"). In summary, the available evidence is currently insufficient to determine the role of this variant in disease. Therefore, it has been classified as a Variant of Uncertain Significance.